The following is an entry in ClinVar:

ClinVar aggregate classification (germline): Uncertain significance (1 of 4 stars; one submission).

Conditions:
Aicardi-Goutieres syndrome 5. Identifiers: Orphanet 51, MedGen C2749659, MONDO:0013059, OMIM 612952.

Allele frequency attached by ClinVar (database versions not stated): gnomAD exomes below 0.00001 and 0.00001; gnomAD 0.00001; TOPMed 0.00001.
gnomAD v4.1: 13 of 1,613,992 alleles (0.00081%); highest among the groups gnomAD compares: Non-Finnish European, 0.0011%; no homozygotes.

Submission:

Labcorp Genetics (formerly Invitae), Labcorp
Classification: Uncertain significance for Aicardi-Goutieres syndrome 5. Last evaluated: 2024-10-28. Review status: criteria provided, single submitter. Criteria: Invitae Variant Classification Sherloc (09022015). Collection method: clinical testing. Allele origin: germline.
Comment: This sequence change replaces asparagine, which is neutral and polar, with lysine, which is basic and polar, at codon 328 of the SAMHD1 protein (p.Asn328Lys). This variant is present in population databases (no rsID available, gnomAD 0.0009%). This variant has not been reported in the literature in individuals affected with SAMHD1-related conditions. ClinVar contains an entry for this variant (Variation ID: 1424780). Invitae Evidence Modeling of protein sequence and biophysical properties (such as structural, functional, and spatial information, amino acid conservation, physicochemical variation, residue mobility, and thermodynamic stability) has been performed for this missense variant. However, the output from this modeling did not meet the statistical confidence thresholds required to predict the impact of this variant on SAMHD1 protein function. In summary, the available evidence is currently insufficient to determine the role of this variant in disease. Therefore, it has been classified as a Variant of Uncertain Significance.

NM_015474.4(SAMHD1):c.984T>G (p.Asn328Lys)

Gene: SAMHD1 (SAM and HD domain containing deoxynucleoside triphosphate triphosphohydrolase 1; minus strand). Cytogenetic location: 20q11.23.
Variant type: single nucleotide variant.
Coding change: c.984T>G on transcript NM_015474.4 (MANE Select); coding-DNA position 984, T replaced by G.
Protein change: p.Asn328Lys; replaces asparagine 328 with lysine.
Molecular consequence: missense variant.
Genome position (GRCh38, 1-based): chr20:36,916,800, A>C on the plus strand (T>G on the coding strand, the complement: SAMHD1 is on the minus strand). VCF-style: chr20-36916800-A-C. GRCh37 (hg19) VCF-style: chr20-35545203-A-C.
Other names: c.984T>G, p.Asn328Lys (NM_001363729.2, NM_001363733.2); short protein forms N328K.
Identifiers: ClinVar variation 1424780 (VCV001424780.8), dbSNP rs1351629453, ClinGen allele CA408845089.